The following is an entry in ClinVar:

ClinVar aggregate classification (germline): Likely benign. Review status: criteria provided, multiple submitters, no conflicts (2 of 4 stars). 2 submissions from 2 submitters: Likely benign (2). Last evaluated 2026-03-01.

Submissions (2):

CeGaT Center for Human Genetics Tuebingen
Classification: Likely benign. Last evaluated: 2026-03-01. Review status: criteria provided, single submitter. Criteria: CeGaT Center For Human Genetics Tuebingen Variant Classification Criteria Version 2. Collection method: clinical testing. Allele origin: germline. Affected: yes. Observed: 1 variant allele.
Comment: HERC2: BP4, BP7

Blueprint Genetics
Classification: Likely benign. Last evaluated: 2024-10-30. Review status: criteria provided, single submitter. Criteria: ACMG Guidelines, 2015. Collection method: clinical testing. Allele origin: germline.

NM_004667.6(HERC2):c.7386G>A (p.Val2462=)

Gene: HERC2 (HECT and RLD domain containing E3 ubiquitin protein ligase 2; minus strand). Cytogenetic location: 15q13.1.
Variant type: single nucleotide variant.
Coding change: c.7386G>A on transcript NM_004667.6 (MANE Select); coding-DNA position 7386, G replaced by A.
Protein change: p.Val2462=; no amino-acid change (valine 2462 retained).
Molecular consequence: synonymous variant.
Genome position (GRCh38, 1-based): chr15:28,202,441, C>T on the plus strand (G>A on the coding strand, the complement: HERC2 is on the minus strand). VCF-style: chr15-28202441-C-T. GRCh37 (hg19) VCF-style: chr15-28447587-C-T.
Identifiers: ClinVar variation 4820970 (VCV004820970.5).
Genomic context (GRCh38, chr15:28,202,441, plus strand): 5'-GAGAGACTTCAGGGCAAACTCGATGTTCCTTCTGGAAAATCCCATCTCCATGAGCTGCAC[C>T]ACGATCGGCAGAGCGGGAACGGGCGACTGCTTGCGCCTCTTCACTCTGGCAGGGCGGATG-3'
Protein context (NP_004658.3, residues 2452-2472): KQSPVPALPI[Val2462=]VQLMEMGFSR